The following is an entry in ClinVar:

NM_005068.3(SIM1):c.733_743+1del

Gene: SIM1 (SIM bHLH transcription factor 1; minus strand). Cytogenetic location: 6q16.3.
Variant type: Deletion.
Coding change: c.733_743+1del on transcript NM_005068.3 (MANE Select); coding-DNA position 733 through the canonical splice donor site of the intron after coding-DNA position 743, 12 bases deleted (CTGGACTCCAGG).
Molecular consequence: splice donor variant.
Genome position (GRCh38, 1-based): chr6:100,448,478-100,448,489, CCTGGAGTCCAG deleted on the plus strand (CTGGACTCCAGG on the coding strand, the reverse complement: SIM1 is on the minus strand). VCF-style (leftmost placement, unchanged base first): chr6-100448477-ACCTGGAGTCCAG-A. GRCh37 (hg19) VCF-style: chr6-100896353-ACCTGGAGTCCAG-A.
Other names: c.733_743+1del (NM_001374769.1).
Identifiers: ClinVar variation 4996317 (VCV004996317.1).

ClinVar aggregate classification (germline): Likely pathogenic (1 of 4 stars; one submission).

Conditions:
SIM1-related disorder. Also called: SIM1-related disorders; SIM1-related condition.

Submission:

PreventionGenetics, part of Exact Sciences
Classification: Likely pathogenic for SIM1-related condition. Last evaluated: 2025-09-29. Review status: criteria provided, single submitter. Criteria: ACMG Guidelines, 2015. Collection method: clinical testing. Allele origin: germline.
Comment: The SIM1 c.733_743+1del12 variant is predicted to result in a deletion affecting a canonical splice site. To our knowledge, this variant has not been reported in the literature or in a large population database (gnomAD), indicating this variant is rare. Loss-of-function variants in SIM1 are expected to be pathogenic. This variant is interpreted as likely pathogenic.